The following is an entry in ClinVar:

ClinVar aggregate classification (germline): Pathogenic/Likely pathogenic. Review status: criteria provided, multiple submitters, no conflicts (2 of 4 stars). 2 submissions from 2 submitters: Pathogenic (1); Likely pathogenic (1). Last evaluated 2025-07-15.

Conditions:
Aicardi-Goutieres syndrome 2. Identifiers: Orphanet 51, MedGen C3489724, MONDO:0012429, OMIM 610181.

Submissions (2):

Myriad Genetics, Inc.
Classification: Pathogenic for Aicardi-Goutieres syndrome 2. Last evaluated: 2025-07-15. Review status: criteria provided, single submitter. Criteria: Myriad Autosomal Dominant, Autosomal Recessive and X-Linked Classification Criteria (2023). Collection method: clinical testing. Allele origin: unknown.
Comment: NM_024570.3(RNASEH2B):c.510+1delG is a variant in a canonical splice site classified as pathogenic in the context of Aicardi-Goutieres syndrome. c.510+1delG has not been observed in cases with relevant disease. Relevant functional assessments of this variant are not available in the literature. c.510+1delG has not been observed in referenced population frequency databases. In summary, NM_024570.3(RNASEH2B):c.510+1delG is a variant in a canonical splice site in a gene where loss of function is a known mechanism of disease and is predicted to disrupt protein function. Please note: this variant was assessed in the context of healthy population screening.

Labcorp Genetics (formerly Invitae), Labcorp
Classification: Likely pathogenic for Aicardi-Goutieres syndrome 2. Last evaluated: 2018-10-07. Review status: criteria provided, single submitter. Criteria: Invitae Variant Classification Sherloc (09022015). Collection method: clinical testing. Allele origin: germline.
Comment: Algorithms developed to predict the effect of sequence changes on RNA splicing suggest that this variant may disrupt the consensus splice site, but this prediction has not been confirmed by published transcriptional studies. Donor and acceptor splice site variants typically lead to a loss of protein function (PMID: 16199547), and loss-of-function variants in RNASEH2B are known to be pathogenic (PMID: 17846997). In summary, the currently available evidence indicates that the variant is pathogenic, but additional data are needed to prove that conclusively. Therefore, this variant has been classified as Likely Pathogenic. This variant has not been reported in the literature in individuals with RNASEH2B-related disease. This variant is not present in population databases (ExAC no frequency). This sequence change affects a donor splice site in intron 6 of the RNASEH2B gene. It is expected to disrupt RNA splicing and likely results in an absent or disrupted protein product.

Literature cited by the submitters: PubMed 16199547 (cited by Labcorp Genetics (formerly Invitae), Labcorp); PubMed 17846997 (cited by Labcorp Genetics (formerly Invitae), Labcorp).

NM_024570.4(RNASEH2B):c.510+1del

Gene: RNASEH2B (ribonuclease H2 subunit B; plus strand). Cytogenetic location: 13q14.3.
Variant type: Deletion.
Coding change: c.510+1del on transcript NM_024570.4 (MANE Select); the canonical splice donor site of the intron after coding-DNA position 510, one base deleted (G; older notation c.510+1delG).
Molecular consequence: splice donor variant.
Genome position (GRCh38, 1-based): chr13:50,943,395, G deleted; the last of 2 consecutive G bases (chr13:50,943,394-50,943,395); deleting either gives the same sequence. VCF-style (leftmost placement, unchanged base first): chr13-50943393-AG-A. GRCh37 (hg19) VCF-style: chr13-51517529-AG-A.
Other names: c.510+1delG (NM_024570.3); c.510+1del (NM_001142279.2, NM_001411023.1).
Identifiers: ClinVar variation 663002 (VCV000663002.8), dbSNP rs1593470515, ClinGen allele CA915948584.
Genomic context (GRCh38, chr13:50,943,393, plus strand): 5'-TAGACAACAAGAAATATTACAAGTACAGCAAAGAGAAGACATTAAAGTGGCTGGAAAAAA[AG>A]GTATAGTTCCTCTCTAGTGCCTTGTGGTAAAAGTAAAAATTCAGTTCTCTAAGAAATTTT-3'